The following is an entry in ClinVar:

ClinVar aggregate classification (germline): Uncertain significance (1 of 4 stars; one submission).

Submission:

GeneDx
Classification: Uncertain significance. Last evaluated: 2026-10-21. Review status: criteria provided, single submitter. Criteria: GeneDx Variant Classification Process June 2021. Collection method: clinical testing. Allele origin: germline.
Comment: Not observed at significant frequency in large population cohorts (gnomAD); In silico analysis suggests that this missense variant does not alter protein structure/function; Has not been previously published as pathogenic or benign to our knowledge

NM_001005273.3(CHD3):c.278G>A (p.Ser93Asn)

Gene: CHD3 (chromodomain helicase DNA binding protein 3; plus strand). Cytogenetic location: 17p13.1.
Variant type: single nucleotide variant.
Coding change: c.278G>A on transcript NM_001005273.3 (MANE Select); coding-DNA position 278, G replaced by A.
Protein change: p.Ser93Asn; replaces serine 93 with asparagine.
Molecular consequence: missense variant.
Genome position (GRCh38, 1-based): chr17:7,890,635, G>A. VCF-style: chr17-7890635-G-A. GRCh37 (hg19) VCF-style: chr17-7793953-G-A.
Other names: c.455G>A, p.Ser152Asn (NM_001005271.3, NM_001437504.1, NM_001437507.1 and 2 more transcripts); c.278G>A, p.Ser93Asn (NM_005852.4); short protein forms S152N, S93N.
Identifiers: ClinVar variation 5017913 (VCV005017913.2).